The following is an entry in ClinVar:

NM_001008537.3(NEXMIF):c.1187A>G (p.Glu396Gly)

Gene: NEXMIF (neurite extension and migration factor; minus strand). Cytogenetic location: Xq13.3.
Variant type: single nucleotide variant.
Coding change: c.1187A>G on transcript NM_001008537.3 (MANE Select); coding-DNA position 1187, A replaced by G.
Protein change: p.Glu396Gly; replaces glutamic acid 396 with glycine.
Molecular consequence: missense variant.
Genome position (GRCh38, 1-based): chrX:74,743,370, T>C on the plus strand (A>G on the coding strand, the complement: NEXMIF is on the minus strand). VCF-style: chrX-74743370-T-C. GRCh37 (hg19) VCF-style: chrX-73963205-T-C.
Other names: short protein forms E396G.
Identifiers: ClinVar variation 1306743 (VCV001306743.2), dbSNP rs2147441135, ClinGen allele CA413671085.

ClinVar aggregate classification (germline): Uncertain significance (1 of 4 stars; one submission).

Submission:

GeneDx
Classification: Uncertain significance. Last evaluated: 2019-06-24. Review status: criteria provided, single submitter. Criteria: GeneDx Variant Classification Process June 2021. Collection method: clinical testing. Allele origin: germline. Affected: yes.
Comment: Not observed in large population cohorts (Lek et al., 2016); In silico analysis, which includes protein predictors and evolutionary conservation, supports that this variant does not alter protein structure/function; Has not been previously published as pathogenic or benign to our knowledge